The following is an entry in ClinVar:

ClinVar aggregate classification (germline): Conflicting classifications of pathogenicity. Review status: criteria provided, conflicting classifications (1 of 4 stars). 7 submissions from 7 submitters: Pathogenic (1); Likely pathogenic (4); Uncertain significance (1). 1 of the submissions does not count toward it. Last evaluated 2026-04-30.

Conditions:
TH-deficient dopa-responsive dystonia. Also called: Tyrosine Hydroxylase-Deficient Dopa-Responsive Dystonia; DYT-TH; Segawa syndrome, autosomal recessive. Identifiers: Orphanet 101150, MedGen C2673535, MONDO:0011551, OMIM 605407.

Allele frequency attached by ClinVar (database versions not stated): TOPMed 0.00001.
gnomAD v4.1: 1 of 1,608,186 alleles (0.000062%); highest among the groups gnomAD compares: Non-Finnish European, 0.000085%; no homozygotes.

Submissions (7):

Myriad Genetics, Inc.
Classification: Uncertain significance for TH-deficient dopa-responsive dystonia. Last evaluated: 2026-04-30. Review status: criteria provided, single submitter. Criteria: Myriad Autosomal Dominant, Autosomal Recessive and X-Linked Classification Criteria (2023). Collection method: clinical testing. Allele origin: unknown.
Comment: NM_199292.2(TH):c.721G>A(A241T) is a missense variant classified as a variant of uncertain significance in the context of tyrosine hydroxylase deficiency. A241T has been observed in cases with relevant disease (PMID: 20430833, 40590098). Relevant functional assessments of this variant are available in the literature (PMID: 38084654). A241T has not been observed in referenced population frequency databases. In summary, there is insufficient evidence to classify NM_199292.2(TH):c.721G>A(A241T) as pathogenic or benign. Please note: this variant was assessed in the context of healthy population screening.

Women's Health and Genetics/Laboratory Corporation of America, LabCorp
Classification: Likely pathogenic for TH-deficient dopa-responsive dystonia. Last evaluated: 2025-10-21. Review status: criteria provided, single submitter. Criteria: LabCorp Variant Classification Summary - May 2015. Collection method: clinical testing. Allele origin: germline.
Comment: Variant summary: TH c.721G>A (p.Ala241Thr) results in a non-conservative amino acid change in the encoded protein sequence. Algorithms developed to predict the effect of missense changes on protein structure and function all suggest that this variant is likely to be disruptive. The frequency data for this variant in gnomAD is considered unreliable, as metrics indicate poor data quality at this position. c.721G>A has been reported in the presumed compound heterozygous state in the literature in individuals affected with clinical features of Segawa Syndrome, Autosomal Recessive (example: Willemsen_2010). These data indicate that the variant may be associated with disease. At least one publication reports experimental evidence evaluating an impact on protein function. The most pronounced variant effect results in <10% of normal activity (Fossbakk_2014). The following publications have been ascertained in the context of this evaluation (PMID: 24753243, 20430833, 38084654, 29126763, 22583432, 35164471, 26806338). ClinVar contains an entry for this variant (Variation ID: 553311). Based on the evidence outlined above, the variant was classified as likely pathogenic.

Baylor Genetics
Classification: Likely pathogenic for TH-deficient dopa-responsive dystonia. Last evaluated: 2023-01-15. Review status: criteria provided, single submitter. Criteria: ACMG Guidelines, 2015. Collection method: clinical testing. Allele origin: unknown.

Mendelics
Classification: Pathogenic for TH-deficient dopa-responsive dystonia. Last evaluated: 2022-05-04. Review status: criteria provided, single submitter. Criteria: Mendelics Assertion Criteria 2019. Collection method: clinical testing. Allele origin: germline.

Juno Genomics, Hangzhou Juno Genomics, Inc
Classification: Likely pathogenic for TH-deficient dopa-responsive dystonia. Review status: criteria provided, single submitter. Criteria: ACMG Guidelines, 2015. Collection method: clinical testing. Allele origin: germline.
Comment: Absent from controls (or at extremely low frequency if recessive) in Genome Aggregation Database.;Multiple lines of computational evidence support a deleterious effect on the gene or gene product.;For recessive disorders, detected in trans with a pathogenic variant.

Neuberg Centre For Genomic Medicine, NCGM
Classification: Likely pathogenic for TH-deficient dopa-responsive dystonia. Review status: criteria provided, single submitter. Criteria: ACMG Guidelines, 2015. Collection method: clinical testing. Allele origin: germline. Inheritance: Autosomal recessive inheritance. Affected: yes.
Comment: The missense variant c.721G>A (p.Ala241Thr) in TH gene has been reported in affected individuals (Willemsen et al., 2010). The functional studies performed have unclear results. The observed variant gene has been submitted to ClinVar as a Variant of Uncertain Significance, but no details are available for independent assessment. The p.Ala241Thr variant is novel (not in any individuals) in gnomAD Exomes and 1000 Genomes. The amino acid Ala at position 241 is changed to a Thr changing protein sequence and it might alter its composition and physico-chemical properties. The variant is predicted to be damaging by both SIFT and PolyPhen2. The residue is conserved across species. The amino acid change p.Ala241Thr in TH is predicted as conserved by GERP++ and PhyloP across 100 vertebrates. For these reasons, this variant has been classified as Likely Pathogenic.

Counsyl
Classification: Uncertain significance for TH-deficient dopa-responsive dystonia. Last evaluated: 2017-08-15. Review status: no assertion criteria provided. Collection method: clinical testing. Allele origin: unknown. Not counted in ClinVar's aggregate classification.

Literature cited by the submitters: PubMed 20430833 (cited by 3 submitters); PubMed 38084654 (cited by Myriad Genetics, Inc. and Women's Health and Genetics/Laboratory Corporation of America, LabCorp); PubMed 40590098 (cited by Myriad Genetics, Inc.); PubMed 24753243 (cited by Women's Health and Genetics/Laboratory Corporation of America, LabCorp and Counsyl); PubMed 29126763 (cited by Women's Health and Genetics/Laboratory Corporation of America, LabCorp); PubMed 22583432 (cited by Women's Health and Genetics/Laboratory Corporation of America, LabCorp); PubMed 35164471 (cited by Women's Health and Genetics/Laboratory Corporation of America, LabCorp); PubMed 26806338 (cited by Women's Health and Genetics/Laboratory Corporation of America, LabCorp).

NM_000360.4(TH):c.628G>A (p.Ala210Thr)

Gene: TH (tyrosine hydroxylase; minus strand). Cytogenetic location: 11p15.5.
Variant type: single nucleotide variant.
Coding change: c.628G>A on transcript NM_000360.4 (MANE Select); coding-DNA position 628, G replaced by A.
Protein change: p.Ala210Thr; replaces alanine 210 with threonine.
Molecular consequence: missense variant.
Genome position (GRCh38, 1-based): chr11:2,167,882, C>T on the plus strand (G>A on the coding strand, the complement: TH is on the minus strand). VCF-style: chr11-2167882-C-T. GRCh37 (hg19) VCF-style: chr11-2189112-C-T.
Other names: c.721G>A, p.Ala241Thr (NM_199292.3); c.709G>A, p.Ala237Thr (NM_199293.3); short protein forms A241T, A210T, A237T.
Identifiers: ClinVar variation 553311 (VCV000553311.9), dbSNP rs1260455415, ClinGen allele CA379128003.